The following is an entry in ClinVar:

NM_006231.4(POLE):c.4566G>C (p.Gln1522His)

Gene: POLE (DNA polymerase epsilon, catalytic subunit; minus strand). Cytogenetic location: 12q24.33.
Variant type: single nucleotide variant.
Coding change: c.4566G>C on transcript NM_006231.4 (MANE Select); coding-DNA position 4566, G replaced by C.
Protein change: p.Gln1522His; replaces glutamine 1522 with histidine.
Molecular consequence: missense variant.
Genome position (GRCh38, 1-based): chr12:132,642,982, C>G on the plus strand (G>C on the coding strand, the complement: POLE is on the minus strand). VCF-style: chr12-132642982-C-G. GRCh37 (hg19) VCF-style: chr12-133219568-C-G.
Other names: short protein forms Q1522H.
Identifiers: ClinVar variation 3781610 (VCV003781610.1).

ClinVar aggregate classification (germline): Uncertain significance (1 of 4 stars; one submission).

Conditions:
Hereditary cancer-predisposing syndrome. Also called: Neoplastic Syndromes, Hereditary; Hereditary Cancer Syndrome; Tumor predisposition; Hereditary neoplastic syndrome. Identifiers: Orphanet 140162, MedGen C0027672, MeSH D009386, MONDO:0015356.

Submission:

Ambry Genetics
Classification: Uncertain significance for Hereditary cancer-predisposing syndrome. Last evaluated: 2025-03-12. Review status: criteria provided, single submitter. Criteria: Ambry Variant Classification Scheme 2023. Collection method: clinical testing. Allele origin: germline.
Comment: The p.Q1522H variant (also known as c.4566G>C), located in coding exon 36 of the POLE gene, results from a G to C substitution at nucleotide position 4566. The glutamine at codon 1522 is replaced by histidine, an amino acid with highly similar properties. This amino acid position is conserved. In addition, the in silico prediction for this alteration is inconclusive. Based on the available evidence, the clinical significance of this variant remains unclear.